The following is an entry in ClinVar:

ClinVar aggregate classification (germline): Uncertain significance (1 of 4 stars; one submission).

Conditions:
PLXNA1-related disorder. Also called: PLXNA1-related condition.

Submission:

PreventionGenetics, part of Exact Sciences
Classification: Uncertain significance for PLXNA1-related condition. Last evaluated: 2025-05-29. Review status: criteria provided, single submitter. Criteria: ACMG Guidelines, 2015. Collection method: clinical testing. Allele origin: germline.
Comment: The PLXNA1 c.3724A>G variant is predicted to result in the amino acid substitution p.Thr1242Ala. To our knowledge, this variant has not been reported in the literature or in a large population database (gnomAD), indicating this variant is rare. At this time, the clinical significance of this variant is uncertain due to the absence of conclusive functional and genetic evidence.

NM_032242.4(PLXNA1):c.3724A>G (p.Thr1242Ala)

Gene: PLXNA1 (plexin A1; plus strand). Cytogenetic location: 3q21.3.
Variant type: single nucleotide variant.
Coding change: c.3724A>G on transcript NM_032242.4 (MANE Select); coding-DNA position 3724, A replaced by G.
Protein change: p.Thr1242Ala; replaces threonine 1242 with alanine.
Molecular consequence: missense variant.
Genome position (GRCh38, 1-based): chr3:127,018,357, A>G. VCF-style: chr3-127018357-A-G. GRCh37 (hg19) VCF-style: chr3-126737200-A-G.
Other names: short protein forms T1242A.
Identifiers: ClinVar variation 4998216 (VCV004998216.1).